The following is an entry in ClinVar:

ClinVar aggregate classification (germline): Likely benign (1 of 4 stars; one submission).

Conditions:
NF1-related disorder. Also called: NF1-related condition. Identifiers: MedGen CN379171.

gnomAD v4.1: 22 of 615,066 alleles (0.0036%); highest among the groups gnomAD compares: African/African-American, 0.028%; no homozygotes.

Submission:

PreventionGenetics, part of Exact Sciences
Classification: Likely benign for NF1-related condition. Last evaluated: 2026-08-03. Review status: criteria provided, single submitter. Criteria: ACMG Guidelines, 2015. Collection method: clinical testing. Allele origin: germline.
Comment: This variant is classified as likely benign based on ACMG/AMP sequence variant interpretation guidelines (Richards et al. 2015 PMID: 25741868, with internal and published modifications).

NM_001042492.3(NF1):c.5813-170G>A

Gene: NF1 (neurofibromin 1; plus strand). Cytogenetic location: 17q11.2.
Variant type: single nucleotide variant.
Coding change: c.5813-170G>A on transcript NM_001042492.3 (MANE Select); 170 bases into the intron before coding-DNA position 5813, G replaced by A.
Molecular consequence: intron variant.
Genome position (GRCh38, 1-based): chr17:31,334,668, G>A. VCF-style: chr17-31334668-G-A. GRCh37 (hg19) VCF-style: chr17-29661686-G-A.
Other names: c.5750-170G>A (NM_000267.4).
Identifiers: ClinVar variation 4989040 (VCV004989040.1).
Genomic context (GRCh38, chr17:31,334,668, plus strand): 5'-TAAGACAAAACTTTTCAAAAATTGGCTTACTGGCTTTTAAAATTACTTTCTTCAAGGACT[G>A]TTCTTTCTTCGCCTCTACAAAAATATATTTGCCAAGTGTCTTTTCTCCAGGCCTGATTCT-3'